The following is an entry in ClinVar:

NM_000038.6(APC):c.2537_2543del (p.Arg845_Ser846insTer)

Gene: APC (APC regulator of Wnt signaling pathway; plus strand). Cytogenetic location: 5q22.2.
Variant type: Deletion.
Coding change: c.2537_2543del on transcript NM_000038.6 (MANE Select); coding-DNA positions 2537 to 2543, 7 bases deleted (CTGAAAA; older notation c.2537_2543delCTGAAAA).
Protein change: p.Arg845_Ser846insTer.
Molecular consequence: nonsense. On other transcripts: non-coding transcript variant (2).
Genome position (GRCh38, 1-based): chr5:112,838,131-112,838,137, CTGAAAA deleted. VCF-style (leftmost placement, unchanged base first): chr5-112838130-TCTGAAAA-T. GRCh37 (hg19) VCF-style: chr5-112173827-TCTGAAAA-T.
Other names: c.2537_2543del, p.Arg845_Ser846insTer (NM_001127510.3, NM_001354895.2, NM_001407450.1); c.2483_2489del, p.Arg827_Ser828insTer (NM_001127511.3); c.2591_2597del, p.Arg863_Ser864insTer (NM_001354896.2, NM_001407447.1, NM_001407448.1 and 1 more transcripts); c.2567_2573del, p.Arg855_Ser856insTer (NM_001354897.2); c.2462_2468del, p.Arg820_Ser821insTer (NM_001354898.2); c.2453_2459del, p.Arg817_Ser818insTer (NM_001354899.2); c.2414_2420del, p.Arg804_Ser805insTer (NM_001354900.2); c.2360_2366del, p.Arg786_Ser787insTer (NM_001354901.2, NM_001407453.1); and 11 more.
Identifiers: ClinVar variation 2584085 (VCV002584085.1), dbSNP rs2533430713, ClinGen allele CA2582341476.

ClinVar aggregate classification (germline): Pathogenic (1 of 4 stars; one submission).

Conditions:
Familial adenomatous polyposis 1 (FAP1). Also called: FAMILIAL ADENOMATOUS POLYPOSIS 1, ATTENUATED; POLYPOSIS, ADENOMATOUS INTESTINAL. Identifiers: MedGen C2713442, MONDO:0021056, OMIM 175100. Disease mechanism: loss of function.

Submission:

Myriad Genetics, Inc.
Classification: Pathogenic for Familial adenomatous polyposis 1. Last evaluated: 2023-05-04. Review status: criteria provided, single submitter. Criteria: Myriad Autosomal Dominant, Autosomal Recessive and X-Linked Classification Criteria (2023). Collection method: clinical testing. Allele origin: unknown.
Comment: This variant is considered pathogenic. This variant creates a termination codon and is predicted to result in premature protein truncation.